The following is an entry in ClinVar:

NM_015158.5(KANK1):c.994C>A (p.Leu332Met)

Gene: KANK1 (KN motif and ankyrin repeat domains 1; plus strand). Cytogenetic location: 9p24.3.
Variant type: single nucleotide variant.
Coding change: c.994C>A on transcript NM_015158.5 (MANE Select); coding-DNA position 994, C replaced by A.
Protein change: p.Leu332Met; replaces leucine 332 with methionine.
Molecular consequence: missense variant. On other transcripts: non-coding transcript variant (1).
Genome position (GRCh38, 1-based): chr9:711,760, C>A. VCF-style: chr9-711760-C-A. GRCh37 (hg19) VCF-style: chr9-711760-C-A.
Other names: c.994C>A, p.Leu332Met (NM_001256876.3, NM_001256877.3, NM_001354331.2 and 2 more transcripts); c.520C>A, p.Leu174Met (NM_001354333.2, NM_001354335.2, NM_001354336.2 and 9 more transcripts); short protein forms L174M, L332M.
Identifiers: ClinVar variation 3718414 (VCV003718414.2).

ClinVar aggregate classification (germline): Uncertain significance (1 of 4 stars; one submission).

gnomAD v4.1: 75 of 1,614,096 alleles (0.0046%); highest among the groups gnomAD compares: Non-Finnish European, 0.0011%; no homozygotes.

Submission:

Labcorp Genetics (formerly Invitae), Labcorp
Classification: Uncertain significance. Last evaluated: 2025-07-01. Review status: criteria provided, single submitter. Criteria: Invitae Variant Classification Sherloc (09022015). Collection method: clinical testing. Allele origin: germline.
Comment: This sequence change replaces leucine, which is neutral and non-polar, with methionine, which is neutral and non-polar, at codon 332 of the KANK1 protein (p.Leu332Met). This variant is present in population databases (rs201141655, gnomAD 0.2%), and has an allele count higher than expected for a pathogenic variant. This variant has not been reported in the literature in individuals affected with KANK1-related conditions. ClinVar contains an entry for this variant (Variation ID: 3718414). Invitae Evidence Modeling of protein sequence and biophysical properties (such as structural, functional, and spatial information, amino acid conservation, physicochemical variation, residue mobility, and thermodynamic stability) indicates that this missense variant is not expected to disrupt KANK1 protein function with a negative predictive value of 80%. In summary, the available evidence is currently insufficient to determine the role of this variant in disease. Therefore, it has been classified as a Variant of Uncertain Significance.